The following is an entry in ClinVar:

ClinVar aggregate classification (germline): Conflicting classifications of pathogenicity. Review status: criteria provided, conflicting classifications (1 of 4 stars). 4 submissions from 4 submitters: Uncertain significance (1); Likely benign (2). 1 of the submissions does not count toward it. Last evaluated 2025-10-06.

Conditions:
Nephrotic syndrome. Identifiers: MedGen C0027726, MONDO:0005377, HP:0000100.

Allele frequency attached by ClinVar (database versions not stated): gnomAD exomes 0.00006 and 0.00012; ExAC 0.00020; gnomAD 0.00053; TOPMed 0.00062; ESP Exome Variant Server 0.00066; 1000 Genomes Project 0.00080; 1000 Genomes Project 30x 0.00109.

Submissions (4):

Labcorp Genetics (formerly Invitae), Labcorp
Classification: Likely benign. Last evaluated: 2025-10-06. Review status: criteria provided, single submitter. Criteria: Invitae Variant Classification Sherloc (09022015). Collection method: clinical testing. Allele origin: germline.

Blueprint Genetics
Classification: Likely benign. Last evaluated: 2023-10-13. Review status: criteria provided, single submitter. Criteria: ACMG Guidelines, 2015. Collection method: clinical testing. Allele origin: germline.

Breakthrough Genomics
Classification: Uncertain significance. Review status: criteria provided, single submitter. Criteria: ACMG Guidelines, 2015. Collection method: not provided. Allele origin: germline. Inheritance: Autosomal recessive inheritance. Affected: yes.

Sydney Genome Diagnostics, Children's Hospital Westmead
Classification: Uncertain significance for Nephrotic syndrome. Last evaluated: 2014-04-18. Review status: no assertion criteria provided. Collection method: clinical testing. Allele origin: unknown. Affected: yes. Observed: 1 variant allele, 1 compound heterozygote. Not counted in ClinVar's aggregate classification.
Comment: To our knowledge, this variant has not been previously reported in the literature to be associated with disease. However, this variant has been reported in ESP (dbSNP: rs369558225) with a minor allele frequency of 0.2% in the African American population (n=3974). In silico analysis (Alamut Visual v2.6) predicts this variant does not affect splicing. However, this analysis alone cannot be used to exclude pathogenicity.

NM_016341.4(PLCE1):c.1955+9del

Gene: PLCE1 (phospholipase C epsilon 1; plus strand). Cytogenetic location: 10q23.33.
Variant type: Deletion.
Coding change: c.1955+9del on transcript NM_016341.4 (MANE Select); 9 bases into the intron after coding-DNA position 1955, one base deleted (A; older notation c.1955+9delA).
Molecular consequence: intron variant.
Genome position (GRCh38, 1-based): chr10:94,227,460, A deleted. VCF-style (leftmost placement, unchanged base first): chr10-94227459-CA-C. GRCh37 (hg19) VCF-style: chr10-95987216-CA-C.
Other names: c.1955+9del (NM_001288989.2); c.1031+9del (NM_001165979.2).
Identifiers: ClinVar variation 988202 (VCV000988202.8), dbSNP rs369558225, ClinGen allele CA5612519.
Genomic context (GRCh38, chr10:94,227,459, plus strand): 5'-TGCTGGAACATGGGCAACTACAACGCTGTCATGGAGTTCTTGGCTGGCCTCAGGTATAGT[CA>C]GTGGGGAATATGGTTATCTTGGCACAATCGCTTCTCATCACCTGAATGGCACTGAATTAA-3'